The following is an entry in ClinVar:

NM_000179.3(MSH6):c.3409A>C (p.Met1137Leu)

Gene: MSH6 (mutS homolog 6; plus strand). Cytogenetic location: 2p16.3.
Variant type: single nucleotide variant.
Coding change: c.3409A>C on transcript NM_000179.3 (MANE Select); coding-DNA position 3409, A replaced by C.
Protein change: p.Met1137Leu; replaces methionine 1137 with leucine.
Molecular consequence: missense variant. On other transcripts: non-coding transcript variant (5).
Genome position (GRCh38, 1-based): chr2:47,803,656, A>C. VCF-style: chr2-47803656-A-C. GRCh37 (hg19) VCF-style: chr2-48030795-A-C.
Other names: c.3019A>C, p.Met1007Leu (NM_001281492.2); c.2503A>C, p.Met835Leu (NM_001281493.2, NM_001281494.2, NM_001406811.1 and 6 more transcripts); c.3505A>C, p.Met1169Leu (NM_001406795.1, NM_001406802.1); c.3409A>C, p.Met1137Leu (NM_001406796.1, NM_001406800.1, NM_001406808.1 and 1 more transcripts); c.3112A>C, p.Met1038Leu (NM_001406797.1, NM_001406801.1, NM_001406805.1 and 10 more transcripts); c.3235A>C, p.Met1079Leu (NM_001406798.1); c.2884A>C, p.Met962Leu (NM_001406799.1, NM_001406806.1, NM_001406807.1); c.2545A>C, p.Met849Leu (NM_001406803.1); and 7 more; short protein forms M1007L, M1038L, M1079L, M962L, M1137L, M1169L, M452L, M615L.
Identifiers: ClinVar variation 5024940 (VCV005024940.1).

ClinVar aggregate classification (germline): Uncertain significance (1 of 4 stars; one submission).

Conditions:
Hereditary cancer-predisposing syndrome. Also called: Neoplastic Syndromes, Hereditary; Tumor predisposition; Hereditary neoplastic syndrome; Hereditary Cancer Syndrome. Identifiers: Orphanet 140162, MedGen C0027672, MeSH D009386, MONDO:0015356.

Submission:

Ambry Genetics
Classification: Uncertain significance for Hereditary cancer-predisposing syndrome. Last evaluated: 2026-09-04. Review status: criteria provided, single submitter. Criteria: Ambry Variant Classification Scheme 2023. Collection method: clinical testing. Allele origin: germline.
Comment: The p.M1137L variant (also known as c.3409A>C), located in coding exon 5 of the MSH6 gene, results from an A to C substitution at nucleotide position 3409. The methionine at codon 1137 is replaced by leucine, an amino acid with highly similar properties. This amino acid position is conserved. In addition, this alteration is predicted to be deleterious by in silico analysis. Based on the available evidence, the clinical significance of this variant remains unclear.